The following is an entry in ClinVar:

NM_003560.4(PLA2G6):c.1416C>G (p.Asp472Glu)

Gene: PLA2G6 (phospholipase A2 group VI; minus strand). Cytogenetic location: 22q13.1.
Variant type: single nucleotide variant.
Coding change: c.1416C>G on transcript NM_003560.4 (MANE Select); coding-DNA position 1416, C replaced by G.
Protein change: p.Asp472Glu; replaces aspartic acid 472 with glutamic acid.
Molecular consequence: missense variant.
Genome position (GRCh38, 1-based): chr22:38,126,382, G>C on the plus strand (C>G on the coding strand, the complement: PLA2G6 is on the minus strand). VCF-style: chr22-38126382-G-C. GRCh37 (hg19) VCF-style: chr22-38522389-G-C.
Other names: c.1254C>G, p.Asp418Glu (NM_001004426.3, NM_001199562.3, NM_001349865.2 and 1 more transcripts); c.1416C>G, p.Asp472Glu (NM_001349864.2); c.882C>G, p.Asp294Glu (NM_001349867.2); c.738C>G, p.Asp246Glu (NM_001349868.2); c.720C>G, p.Asp240Glu (NM_001349869.2); short protein forms D240E, D246E, D294E, D418E, D472E.
Identifiers: ClinVar variation 3370029 (VCV003370029.2).

ClinVar aggregate classification (germline): Uncertain significance (1 of 4 stars; one submission).

gnomAD v4.1: 5 of 1,613,048 alleles (0.00031%); highest among the groups gnomAD compares: South Asian, 0.0055%; no homozygotes.

Submission:

GeneDx
Classification: Uncertain significance. Last evaluated: 2025-11-01. Review status: criteria provided, single submitter. Criteria: GeneDx Variant Classification Process June 2021. Collection method: clinical testing. Allele origin: germline.
Comment: Not observed at significant frequency in large population cohorts (gnomAD); In silico analysis suggests that this missense variant does not alter protein structure/function; Has not been previously published as pathogenic or benign to our knowledge